The following is an entry in ClinVar:

ClinVar aggregate classification (germline): Pathogenic (1 of 4 stars; one submission).

Conditions:
Metachromatic leukodystrophy (MLD). Also called: ARSA DEFICIENCY; CEREBROSIDE SULFATASE DEFICIENCY; SULFATIDE LIPIDOSIS; METACHROMATIC LEUKOENCEPHALOPATHY; Cerebral sclerosis diffuse metachromatic form; Arylsulfatase A Deficiency. Identifiers: Orphanet 512, MedGen C0023522, MONDO:0018868, OMIM 250100.

Submission:

Labcorp Genetics (formerly Invitae), Labcorp
Classification: Pathogenic for Metachromatic leukodystrophy. Last evaluated: 2022-12-30. Review status: criteria provided, single submitter. Criteria: Invitae Variant Classification Sherloc (09022015). Collection method: clinical testing. Allele origin: unknown.
Comment: For these reasons, this variant has been classified as Pathogenic. This variant disrupts a region of the ARSA protein in which other variant(s) (p.Tyr431Ser) have been determined to be pathogenic (PMID: 14517960; Invitae). This suggests that this is a clinically significant region of the protein, and that variants that disrupt it are likely to be disease-causing. Variants that disrupt the consensus splice site are a relatively common cause of aberrant splicing (PMID: 17576681, 9536098). This variant has not been reported in the literature in individuals affected with ARSA-related conditions. This variant results in the deletion of exons 6-7 and part of exon 8 (c.979+16_1449delinsATT) of the ARSA gene. While this variant is not anticipated to result in nonsense mediated decay, it likely alters RNA splicing and results in a disrupted protein product.

Literature cited by the submitters: PubMed 14517960; PubMed 17576681; PubMed 9536098.

NC_000022.10:g.(?_51063654)_(51064566_?)del

Gene: ARSA (arylsulfatase A; minus strand). Cytogenetic location: 22q13.33.
Variant type: Deletion.
Identifiers: ClinVar variation 3247082 (VCV003247082.1).